The following is an entry in ClinVar:

NM_000814.6(GABRB3):c.242A>T (p.Asp81Val)

Gene: GABRB3 (gamma-aminobutyric acid type A receptor subunit beta3; minus strand). Cytogenetic location: 15q12.
Variant type: single nucleotide variant.
Coding change: c.242A>T on transcript NM_000814.6 (MANE Select); coding-DNA position 242, A replaced by T.
Protein change: p.Asp81Val; replaces aspartic acid 81 with valine.
Molecular consequence: missense variant. On other transcripts: 5 prime UTR variant (2), non-coding transcript variant (1).
Genome position (GRCh38, 1-based): chr15:26,621,533, T>A on the plus strand (A>T on the coding strand, the complement: GABRB3 is on the minus strand). VCF-style: chr15-26621533-T-A. GRCh37 (hg19) VCF-style: chr15-26866680-T-A.
Other names: c.-14A>T (NM_001191320.2, NM_001278631.2); c.29A>T, p.Asp10Val (NM_001191321.3); c.242A>T, p.Asp81Val (NM_021912.5); short protein forms D10V, D81V.
Identifiers: ClinVar variation 2571879 (VCV002571879.1), dbSNP rs2504330254, ClinGen allele CA391461887.

ClinVar aggregate classification (germline): Uncertain significance (1 of 4 stars; one submission).

Submission:

GeneDx
Classification: Uncertain significance. Last evaluated: 2023-01-05. Review status: criteria provided, single submitter. Criteria: GeneDx Variant Classification Process June 2021. Collection method: clinical testing. Allele origin: germline. Affected: yes.
Comment: Not observed at significant frequency in large population cohorts (gnomAD); In silico analysis supports that this missense variant has a deleterious effect on protein structure/function; Has not been previously published as pathogenic or benign to our knowledge